The following is an entry in ClinVar:

NM_213599.3(ANO5):c.2646C>G (p.Asn882Lys)

Gene: ANO5 (anoctamin 5; plus strand). Cytogenetic location: 11p14.3.
Variant type: single nucleotide variant.
Coding change: c.2646C>G on transcript NM_213599.3 (MANE Select); coding-DNA position 2646, C replaced by G.
Protein change: p.Asn882Lys; replaces asparagine 882 with lysine.
Molecular consequence: missense variant.
Genome position (GRCh38, 1-based): chr11:22,279,669, C>G. VCF-style: chr11-22279669-C-G. GRCh37 (hg19) VCF-style: chr11-22301215-C-G.
Other names: c.2643C>G, p.Asn881Lys (NM_001142649.2); short protein forms N882K, N881K.
Identifiers: ClinVar variation 128390 (VCV000128390.30), dbSNP rs34969327, ClinGen allele CA151830.

ClinVar aggregate classification (germline): Benign/Likely benign. Review status: criteria provided, multiple submitters, no conflicts (2 of 4 stars). 15 submissions from 13 submitters: Benign (10); Likely benign (3). 2 of the submissions do not count toward it. Last evaluated 2026-02-03.

Conditions:
Gnathodiaphyseal dysplasia (GDD). Also called: OSTEOGENESIS IMPERFECTA WITH UNUSUAL SKELETAL LESIONS; GNATHODIAPHYSEAL SCLEROSIS. Identifiers: Orphanet 53697, MedGen C1833736, MONDO:0008151, OMIM 166260.
Autosomal recessive limb-girdle muscular dystrophy type 2L (LGMDR12). Also called: Limb-Girdle Muscular Dystrophy R12 Anoctamin-5-Related (LGMD-R12); Limb-girdle muscular dystrophy, type 2L; MUSCULAR DYSTROPHY, LIMB-GIRDLE, AUTOSOMAL RECESSIVE 12. Identifiers: Orphanet 206549, MedGen C1969785, MONDO:0012652, OMIM 611307.
ANO5-Related Muscle Diseases. Identifiers: MedGen CN180644.
Miyoshi muscular dystrophy 3 (MMD3). Also called: Miyoshi myopathy 3; Miyoshi Muscular Dystrophy 3 (MMD3). Identifiers: Orphanet 399096, MedGen C2750076, MONDO:0013222, OMIM 613319.

Allele frequency attached by ClinVar (database versions not stated): ESP Exome Variant Server 0.01307; ExAC 0.00316; TOPMed 0.01065; 1000 Genomes Project 0.00879; 1000 Genomes Project 30x 0.01109.
gnomAD v4.1: 2,917 of 1,612,758 alleles (0.18%); highest among the groups gnomAD compares: African/African-American, 3.5%; 56 homozygotes.

Submissions (15):

Labcorp Genetics (formerly Invitae), Labcorp
Classification: Benign for Autosomal recessive limb-girdle muscular dystrophy type 2L; Gnathodiaphyseal dysplasia. Last evaluated: 2026-02-03. Review status: criteria provided, single submitter. Criteria: Invitae Variant Classification Sherloc (09022015). Collection method: clinical testing. Allele origin: germline.

ARUP Laboratories, Molecular Genetics and Genomics, ARUP Laboratories
Classification: Benign. Last evaluated: 2024-06-10. Review status: criteria provided, single submitter. Criteria: ARUP Molecular Germline Variant Investigation Process 2024. Collection method: clinical testing. Allele origin: germline.

Genome-Nilou Lab
Classification: Benign for Gnathodiaphyseal dysplasia. Last evaluated: 2021-12-05. Review status: criteria provided, single submitter. Criteria: ACMG Guidelines, 2015. Collection method: clinical testing. Allele origin: germline. Affected: no.

Genome-Nilou Lab
Classification: Benign for Miyoshi muscular dystrophy 3. Last evaluated: 2021-12-05. Review status: criteria provided, single submitter. Criteria: ACMG Guidelines, 2015. Collection method: clinical testing. Allele origin: germline. Affected: no.

Genome-Nilou Lab
Classification: Benign for Autosomal recessive limb-girdle muscular dystrophy type 2L. Last evaluated: 2021-12-05. Review status: criteria provided, single submitter. Criteria: ACMG Guidelines, 2015. Collection method: clinical testing. Allele origin: germline. Affected: no.

Mayo Clinic Laboratories, Mayo Clinic
Classification: Benign. Last evaluated: 2020-06-25. Review status: criteria provided, single submitter. Criteria: ACMG Guidelines, 2015. Collection method: clinical testing. Allele origin: germline. Observed: 11 variant alleles.

Athena Diagnostics
Classification: Benign. Last evaluated: 2019-06-14. Review status: criteria provided, single submitter. Criteria: Athena Diagnostics Criteria. Collection method: clinical testing. Allele origin: germline.

Mendelics
Classification: Benign for Gnathodiaphyseal dysplasia. Last evaluated: 2019-05-28. Review status: criteria provided, single submitter. Criteria: Mendelics Assertion Criteria 2017. Collection method: clinical testing. Allele origin: unknown.

Illumina Laboratory Services, Illumina
Classification: Likely benign for ANO5-Related Muscle Diseases. Last evaluated: 2017-04-28. Review status: criteria provided, single submitter. Criteria: ICSL Variant Classification Criteria 13 December 2019. Collection method: clinical testing. Allele origin: germline.
Comment: This variant was observed as part of a predisposition screen in an ostensibly healthy population. A literature search was performed for the gene, cDNA change, and amino acid change (where applicable). No publications were found based on this search. Allele frequency data from public databases allowed determination this variant is unlikely to cause disease. Therefore, this variant is classified as likely benign.

GeneDx
Classification: Benign. Last evaluated: 2016-06-14. Review status: criteria provided, single submitter. Criteria: GeneDx Variant Classification (06012015). Collection method: clinical testing. Allele origin: germline. Affected: yes.
Comment: This variant is considered likely benign or benign based on one or more of the following criteria: it is a conservative change, it occurs at a poorly conserved position in the protein, it is predicted to be benign by multiple in silico algorithms, and/or has population frequency not consistent with disease.

Eurofins Ntd Llc (ga)
Classification: Benign. Last evaluated: 2015-02-26. Review status: criteria provided, single submitter. Criteria: EGL Classification Definitions 2015. Collection method: clinical testing. Allele origin: germline. Observed: 2 variant alleles, 2 heterozygotes.

Breakthrough Genomics
Classification: Likely benign. Review status: criteria provided, single submitter. Criteria: ACMG Guidelines, 2015. Collection method: not provided. Allele origin: germline. Inheritance: Autosomal recessive inheritance. Affected: yes.

PreventionGenetics, part of Exact Sciences
Classification: Likely benign. Review status: criteria provided, single submitter. Criteria: ACMG Guidelines, 2015. Collection method: clinical testing. Allele origin: germline.

ANO5 @LOVD
No classification provided. Review status: no classification provided. Collection method: not provided. Allele origin: unknown. Not counted in ClinVar's aggregate classification.

Genetic Services Laboratory, University of Chicago
Classification: Likely benign for AllHighlyPenetrant. Review status: no assertion criteria provided. Collection method: clinical testing. Allele origin: germline. Inheritance: Autosomal recessive inheritance. Not counted in ClinVar's aggregate classification.
Comment: Likely benign based on allele frequency in 1000 Genomes Project or ESP global frequency and its presence in a patient with a rare or unrelated disease phenotype. NOT Sanger confirmed.

Literature cited by the submitters: PubMed 23041008 (cited by Athena Diagnostics).